The following is an entry in ClinVar:

NM_000057.4(BLM):c.1450A>T (p.Lys484Ter)

Gene: BLM (BLM RecQ like helicase; plus strand). Cytogenetic location: 15q26.1.
Variant type: single nucleotide variant.
Coding change: c.1450A>T on transcript NM_000057.4 (MANE Select); coding-DNA position 1450, A replaced by T.
Protein change: p.Lys484Ter; replaces lysine 484 with a stop codon.
Molecular consequence: nonsense.
Genome position (GRCh38, 1-based): chr15:90,760,823, A>T. VCF-style: chr15-90760823-A-T. GRCh37 (hg19) VCF-style: chr15-91304053-A-T.
Other names: c.1450A>T, p.Lys484Ter (NM_001287246.2, NM_001287247.2); c.325A>T, p.Lys109Ter (NM_001287248.2); short protein forms K109*, K484*.
Identifiers: ClinVar variation 2680182 (VCV002680182.4), dbSNP rs2505425763, ClinGen allele CA393843083.

ClinVar aggregate classification (germline): Pathogenic/Likely pathogenic. Review status: criteria provided, multiple submitters, no conflicts (2 of 4 stars). 2 submissions from 2 submitters: Pathogenic (1); Likely pathogenic (1). Last evaluated 2023-12-27.

Conditions:
Bloom syndrome (BLM). Also called: Bloom-Torre-Machacek syndrome. Identifiers: Orphanet 125, MedGen C0005859, MONDO:0008876, OMIM 210900.

Submissions (2):

Labcorp Genetics (formerly Invitae), Labcorp
Classification: Pathogenic for Bloom syndrome. Last evaluated: 2023-12-27. Review status: criteria provided, single submitter. Criteria: Invitae Variant Classification Sherloc (09022015). Collection method: clinical testing. Allele origin: germline.
Comment: This sequence change creates a premature translational stop signal (p.Lys484*) in the BLM gene. It is expected to result in an absent or disrupted protein product. Loss-of-function variants in BLM are known to be pathogenic (PMID: 17407155). This variant is not present in population databases (gnomAD no frequency). This variant has not been reported in the literature in individuals affected with BLM-related conditions. Algorithms developed to predict the effect of sequence changes on RNA splicing suggest that this variant may create or strengthen a splice site. For these reasons, this variant has been classified as Pathogenic.

Baylor Genetics
Classification: Likely pathogenic for Bloom syndrome. Last evaluated: 2023-03-04. Review status: criteria provided, single submitter. Criteria: ACMG Guidelines, 2015. Collection method: clinical testing. Allele origin: unknown.

Literature cited by the submitters: PubMed 17407155 (cited by Labcorp Genetics (formerly Invitae), Labcorp).